The following is an entry in ClinVar:

ClinVar aggregate classification (germline): Uncertain significance (1 of 4 stars; one submission).

gnomAD v4.1: 15 of 1,488,416 alleles (0.001%); highest among the groups gnomAD compares: Non-Finnish European, 0.0013%; no homozygotes.

Submission:

Ambry Genetics
Classification: Uncertain significance. Last evaluated: 2024-12-25. Review status: criteria provided, single submitter. Criteria: Ambry Variant Classification Scheme 2023. Collection method: clinical testing. Allele origin: germline.
Comment: The p.S49G variant (also known as c.145A>G), located in coding exon 1 of the PALLD gene, results from an A to G substitution at nucleotide position 145. The serine at codon 49 is replaced by glycine, an amino acid with similar properties. This amino acid position is conserved. In addition, this alteration is predicted to be tolerated by in silico analysis. Based on the available evidence, the clinical significance of this variant remains unclear.

NM_001166108.2(PALLD):c.1965-12886A>G

Gene: PALLD (palladin, cytoskeletal associated protein; plus strand). Cytogenetic location: 4q32.3.
Variant type: single nucleotide variant.
Coding change: c.1965-12886A>G on transcript NM_001166108.2 (MANE Select); 12886 bases into the intron before coding-DNA position 1965, A replaced by G.
Molecular consequence: intron variant. On other transcripts: missense variant (1).
Genome position (GRCh38, 1-based): chr4:168,878,036, A>G. VCF-style: chr4-168878036-A-G. GRCh37 (hg19) VCF-style: chr4-169799187-A-G.
Other names: c.145A>G, p.Ser49Gly (NM_001166110.2); c.1965-12886A>G (NM_016081.4); c.819-12886A>G (NM_001166109.2); c.-157-12886A>G (NM_001367570.1, NM_001367568.1, NM_001367567.1 and 1 more transcripts); short protein forms S49G.
Identifiers: ClinVar variation 3885250 (VCV003885250.1).